The following is an entry in ClinVar:

NM_016734.3(PAX5):c.559A>G (p.Ile187Val)

Genes: PAX5 (paired box 5; minus strand), LOC105376032 (uncharacterized LOC105376032; plus strand). Cytogenetic location: 9p13.2.
Variant type: single nucleotide variant.
Coding change: c.559A>G on transcript NM_016734.3 (MANE Select); coding-DNA position 559, A replaced by G.
Protein change: p.Ile187Val; replaces isoleucine 187 with valine.
Molecular consequence: missense variant. On other transcripts: non-coding transcript variant (2), intron variant (2).
Genome position (GRCh38, 1-based): chr9:37,002,693, T>C on the plus strand (A>G on the coding strand, the complement: PAX5 is on the minus strand). VCF-style: chr9-37002693-T-C. GRCh37 (hg19) VCF-style: chr9-37002690-T-C.
Other names: c.559A>G, p.Ile187Val (NM_001280547.2, NM_001280548.2, NM_001280549.2 and 2 more transcripts); c.235A>G, p.Ile79Val (NM_001280551.2, NM_001280556.2); c.361A>G, p.Ile121Val (NM_001280555.2); c.475+3780A>G (NM_001280553.2, NM_001280554.2); short protein forms I187V, I121V, I79V.
Identifiers: ClinVar variation 4827564 (VCV004827564.1).

ClinVar aggregate classification (germline): Uncertain significance (1 of 4 stars; one submission).

Conditions:
Inborn genetic diseases. Identifiers: MedGen C0950123, MeSH D030342.

Submission:

Ambry Genetics
Classification: Uncertain significance for Inborn genetic diseases. Last evaluated: 2026-02-24. Review status: criteria provided, single submitter. Criteria: Ambry Variant Classification Scheme 2023. Collection method: clinical testing. Allele origin: germline.
Comment: The p.I187V variant (also known as c.559A>G), located in coding exon 5 of the PAX5 gene, results from an A to G substitution at nucleotide position 559. The isoleucine at codon 187 is replaced by valine, an amino acid with highly similar properties. This amino acid position is conserved. In addition, the in silico prediction for this alteration is inconclusive. Based on the available evidence, the clinical significance of this variant remains unclear.